The following is an entry in ClinVar:

NM_203447.4(DOCK8):c.2608G>C (p.Ala870Pro)

Gene: DOCK8 (dedicator of cytokinesis 8; plus strand). Cytogenetic location: 9p24.3.
Variant type: single nucleotide variant.
Coding change: c.2608G>C on transcript NM_203447.4 (MANE Select); coding-DNA position 2608, G replaced by C.
Protein change: p.Ala870Pro; replaces alanine 870 with proline.
Molecular consequence: missense variant.
Genome position (GRCh38, 1-based): chr9:382,515, G>C. VCF-style: chr9-382515-G-C. GRCh37 (hg19) VCF-style: chr9-382515-G-C.
Other names: c.2404G>C, p.Ala802Pro (NM_001190458.2, NM_001193536.2); short protein forms A802P, A870P.
Identifiers: ClinVar variation 1479996 (VCV001479996.8), dbSNP rs143495336, ClinGen allele CA187819878.

ClinVar aggregate classification (germline): Uncertain significance (1 of 4 stars; one submission).

Conditions:
Combined immunodeficiency due to DOCK8 deficiency (HIES2). Also called: HIES autosomal recessive; Hyper-IgE recurrent infection syndrome, autosomal recessive; HYPER-IgE RECURRENT INFECTION SYNDROME 2, AUTOSOMAL RECESSIVE; HYPER-IgE SYNDROME 2, AUTOSOMAL RECESSIVE, WITH RECURRENT INFECTIONS; DOCK8 Deficiency. Identifiers: Orphanet 217390, MedGen C4722305, MONDO:0009478, OMIM 243700.

Allele frequency attached by ClinVar (database versions not stated): TOPMed below 0.00001.

Submission:

Labcorp Genetics (formerly Invitae), Labcorp
Classification: Uncertain significance for Combined immunodeficiency due to DOCK8 deficiency. Last evaluated: 2021-02-13. Review status: criteria provided, single submitter. Criteria: Invitae Variant Classification Sherloc (09022015). Collection method: clinical testing. Allele origin: germline.
Comment: In summary, the available evidence is currently insufficient to determine the role of this variant in disease. Therefore, it has been classified as a Variant of Uncertain Significance. Algorithms developed to predict the effect of missense changes on protein structure and function (SIFT, PolyPhen-2, Align-GVGD) all suggest that this variant is likely to be tolerated, but these predictions have not been confirmed by published functional studies and their clinical significance is uncertain. This variant has not been reported in the literature in individuals with DOCK8-related conditions. This variant is not present in population databases (ExAC no frequency). This sequence change replaces alanine with proline at codon 870 of the DOCK8 protein (p.Ala870Pro). The alanine residue is weakly conserved and there is a small physicochemical difference between alanine and proline.